The following is an entry in ClinVar:

NM_000548.5(TSC2):c.2933G>A (p.Arg978His)

Gene: TSC2 (TSC complex subunit 2; plus strand). Cytogenetic location: 16p13.3.
Variant type: single nucleotide variant.
Coding change: c.2933G>A on transcript NM_000548.5 (MANE Select); coding-DNA position 2933, G replaced by A.
Protein change: p.Arg978His; replaces arginine 978 with histidine.
Molecular consequence: missense variant. On other transcripts: intron variant (9).
Genome position (GRCh38, 1-based): chr16:2,077,693, G>A. VCF-style: chr16-2077693-G-A. GRCh37 (hg19) VCF-style: chr16-2127694-G-A.
Other names: c.2933G>A, p.Arg978His (NM_001114382.3); c.2837+1108G>A (NM_021055.3, NM_001370405.1, NM_001363528.2 and 2 more transcripts); c.2726+1108G>A (NM_001318827.2); c.2237+1108G>A (NM_001318831.2); c.2690+1108G>A (NM_001318829.2); c.2870+1108G>A (NM_001318832.2); short protein forms R978H.
Identifiers: ClinVar variation 233921 (VCV000233921.15), dbSNP rs876660733, ClinGen allele CA10579891.

ClinVar aggregate classification (germline): Uncertain significance. Review status: criteria provided, multiple submitters, no conflicts (2 of 4 stars). 4 submissions from 4 submitters: Uncertain significance (4). Last evaluated 2025-12-18.

Conditions:
Tuberous sclerosis 2 (TSC2). Identifiers: Orphanet 805, MedGen C1860707, MONDO:0013199, OMIM 613254.
Hereditary cancer-predisposing syndrome. Also called: Tumor predisposition; Hereditary Cancer Syndrome; Hereditary neoplastic syndrome; Neoplastic Syndromes, Hereditary. Identifiers: Orphanet 140162, MedGen C0027672, MeSH D009386, MONDO:0015356.

Allele frequency attached by ClinVar (database versions not stated): gnomAD below 0.00001 and 0.00001; gnomAD exomes below 0.00001.
gnomAD v4.1: 3 of 1,612,854 alleles (0.00019%); highest among the groups gnomAD compares: South Asian, 0.0022%; no homozygotes.

Submissions (4):

Labcorp Genetics (formerly Invitae), Labcorp
Classification: Uncertain significance for Tuberous sclerosis 2. Last evaluated: 2025-12-18. Review status: criteria provided, single submitter. Criteria: Invitae Variant Classification Sherloc (09022015). Collection method: clinical testing. Allele origin: germline.
Comment: This sequence change replaces arginine, which is basic and polar, with histidine, which is basic and polar, at codon 978 of the TSC2 protein (p.Arg978His). This variant is not present in population databases (gnomAD no frequency). This variant has not been reported in the literature in individuals affected with TSC2-related conditions. ClinVar contains an entry for this variant (Variation ID: 233921). Invitae Evidence Modeling of protein sequence and biophysical properties (such as structural, functional, and spatial information, amino acid conservation, physicochemical variation, residue mobility, and thermodynamic stability) indicates that this missense variant is not expected to disrupt TSC2 protein function with a negative predictive value of 95%. In summary, the available evidence is currently insufficient to determine the role of this variant in disease. Therefore, it has been classified as a Variant of Uncertain Significance.

Ambry Genetics
Classification: Uncertain significance for Hereditary cancer-predisposing syndrome. Last evaluated: 2025-03-10. Review status: criteria provided, single submitter. Criteria: Ambry Variant Classification Scheme 2023. Collection method: clinical testing. Allele origin: germline.
Comment: The p.R978H variant (also known as c.2933G>A), located in coding exon 25 of the TSC2 gene, results from a G to A substitution at nucleotide position 2933. The arginine at codon 978 is replaced by histidine, an amino acid with highly similar properties. This amino acid position is highly conserved in available vertebrate species. In addition, this alteration is predicted to be deleterious by in silico analysis. Based on the available evidence, the clinical significance of this variant remains unclear.

Genome-Nilou Lab
Classification: Uncertain significance for Tuberous sclerosis 2. Last evaluated: 2021-11-07. Review status: criteria provided, single submitter. Criteria: ACMG Guidelines, 2015. Collection method: clinical testing. Allele origin: germline. Affected: no.

GeneDx
Classification: Uncertain significance. Last evaluated: 2017-10-26. Review status: criteria provided, single submitter. Criteria: GeneDx Variant Classification (06012015). Collection method: clinical testing. Allele origin: germline. Affected: yes.
Comment: A variant of uncertain significance has been identified in the TSC2 gene. The R978H variant has not been published as a pathogenic variant, nor has it been reported as a benign variant to our knowledge. The R978H variant is not observed in large population cohorts (Lek et al., 2016). This substitution occurs at a position that is conserved across species; and in silico analysis predicts this variant is probably damaging to the protein structure/function. However, the R978H variant is a conservative amino acid substitution, which is not likely to impact secondary protein structure as these residues share similar properties. Additionally, this substitution does not occur within known functional domains of the tuberin protein, where many pathogenic missense variants have been identified (Northrup et al., 2011; Au et al., 2007). Therefore, based on the currently available information, it is unclear whether this variant is a pathogenic variant or a rare benign variant.